The following is an entry in ClinVar:

ClinVar aggregate classification (germline): Uncertain significance (1 of 4 stars; one submission).

Allele frequency attached by ClinVar (database versions not stated): gnomAD exomes 0.00002; TOPMed 0.00002; gnomAD 0.00003; ExAC 0.00002.
gnomAD v4.1: 36 of 1,612,098 alleles (0.0022%); highest among the groups gnomAD compares: Non-Finnish European, 0.0029%; no homozygotes.

Submission:

Labcorp Genetics (formerly Invitae), Labcorp
Classification: Uncertain significance. Last evaluated: 2025-09-02. Review status: criteria provided, single submitter. Criteria: Invitae Variant Classification Sherloc (09022015). Collection method: clinical testing. Allele origin: germline.
Comment: This sequence change replaces serine, which is neutral and polar, with leucine, which is neutral and non-polar, at codon 560 of the NEFH protein (p.Ser560Leu). This variant is present in population databases (rs750569231, gnomAD 0.003%). This variant has not been reported in the literature in individuals affected with NEFH-related conditions. ClinVar contains an entry for this variant (Variation ID: 2786526). Invitae Evidence Modeling of protein sequence and biophysical properties (such as structural, functional, and spatial information, amino acid conservation, physicochemical variation, residue mobility, and thermodynamic stability) indicates that this missense variant is not expected to disrupt NEFH protein function with a negative predictive value of 95%. In summary, the available evidence is currently insufficient to determine the role of this variant in disease. Therefore, it has been classified as a Variant of Uncertain Significance.

NM_021076.4(NEFH):c.1679C>T (p.Ser560Leu)

Gene: NEFH (neurofilament heavy chain; plus strand). Cytogenetic location: 22q12.2.
Variant type: single nucleotide variant.
Coding change: c.1679C>T on transcript NM_021076.4 (MANE Select); coding-DNA position 1679, C replaced by T.
Protein change: p.Ser560Leu; replaces serine 560 with leucine.
Molecular consequence: missense variant.
Genome position (GRCh38, 1-based): chr22:29,489,319, C>T. VCF-style: chr22-29489319-C-T. GRCh37 (hg19) VCF-style: chr22-29885308-C-T.
Other names: short protein forms S560L.
Identifiers: ClinVar variation 2786526 (VCV002786526.3), dbSNP rs750569231, ClinGen allele CA10174258.